The following is an entry in ClinVar:

NM_001987.5(ETV6):c.67C>G (p.Pro23Ala)

Gene: ETV6 (ETS variant transcription factor 6; plus strand). Cytogenetic location: 12p13.2.
Variant type: single nucleotide variant.
Coding change: c.67C>G on transcript NM_001987.5 (MANE Select); coding-DNA position 67, C replaced by G.
Protein change: p.Pro23Ala; replaces proline 23 with alanine.
Molecular consequence: missense variant. On other transcripts: intron variant (1).
Genome position (GRCh38, 1-based): chr12:11,752,483, C>G. VCF-style: chr12-11752483-C-G. GRCh37 (hg19) VCF-style: chr12-11905417-C-G.
Other names: c.64C>G, p.Pro22Ala (NM_001413913.1); c.40C>G, p.Pro14Ala (NM_001413914.1); c.67C>G, p.Pro23Ala (NM_001413916.1, NM_001413917.1, NM_001413918.1); c.-101-86657C>G (NM_001413915.1); short protein forms P14A, P23A, P22A.
Identifiers: ClinVar variation 5036208 (VCV005036208.1).

ClinVar aggregate classification (germline): Uncertain significance (1 of 4 stars; one submission).

Conditions:
Inborn genetic diseases. Identifiers: MedGen C0950123, MeSH D030342.

Submission:

Ambry Genetics
Classification: Uncertain significance for Inborn genetic diseases. Last evaluated: 2026-07-23. Review status: criteria provided, single submitter. Criteria: Ambry Variant Classification Scheme 2023. Collection method: clinical testing. Allele origin: germline.
Comment: The p.P23A variant (also known as c.67C>G), located in coding exon 2 of the ETV6 gene, results from a C to G substitution at nucleotide position 67. The proline at codon 23 is replaced by alanine, an amino acid with highly similar properties. This amino acid position is conserved. In addition, this alteration is predicted to be tolerated by in silico analysis. Based on the available evidence, the clinical significance of this variant remains unclear.